The following is an entry in ClinVar:

NM_004006.3(DMD):c.10087-2A>G

Gene: DMD (dystrophin; minus strand). Cytogenetic location: Xp21.2.
Variant type: single nucleotide variant.
Coding change: c.10087-2A>G on transcript NM_004006.3 (MANE Select); the canonical splice acceptor site of the intron before coding-DNA position 10087, A replaced by G.
Molecular consequence: splice acceptor variant.
Genome position (GRCh38, 1-based): chrX:31,178,807, T>C on the plus strand (A>G on the coding strand, the complement: DMD is on the minus strand). VCF-style: chrX-31178807-T-C. GRCh37 (hg19) VCF-style: chrX-31196924-T-C.
Other names: c.10063-2A>G (NM_000109.4); c.6064-2A>G (NM_004011.4); c.6055-2A>G (NM_004012.4); c.2707-2A>G (NM_004023.3, NM_004020.4, NM_004022.3 and 2 more transcripts); c.1900-2A>G (NM_004014.3); c.883-2A>G (NM_004018.3, NM_004017.3, NM_004016.3 and 2 more transcripts); c.10075-2A>G (NM_004009.3); c.9718-2A>G (NM_004010.3).
Identifiers: ClinVar variation 596803 (VCV000596803.7), dbSNP rs1569420861, ClinGen allele CA412652975.

ClinVar aggregate classification (germline): Pathogenic/Likely pathogenic. Review status: criteria provided, multiple submitters, no conflicts (2 of 4 stars). 3 submissions from 3 submitters: Pathogenic (2); Likely pathogenic (1). Last evaluated 2025-10-28.

Conditions:
Duchenne muscular dystrophy (DMD). Also called: MUSCULAR DYSTROPHY, PSEUDOHYPERTROPHIC PROGRESSIVE, DUCHENNE TYPE; Duchenne Muscular Dystrophy (DMD). Identifiers: Orphanet 98896, MedGen C0013264, MONDO:0010679, OMIM 310200.

Submissions (3):

Labcorp Genetics (formerly Invitae), Labcorp
Classification: Pathogenic for Duchenne muscular dystrophy. Last evaluated: 2025-10-28. Review status: criteria provided, single submitter. Criteria: Invitae Variant Classification Sherloc (09022015). Collection method: clinical testing. Allele origin: germline.
Comment: This sequence change affects an acceptor splice site in intron 69 of the DMD gene. It is expected to disrupt RNA splicing. Variants that disrupt the donor or acceptor splice site typically lead to a loss of protein function (PMID: 16199547), and loss-of-function variants in DMD are known to be pathogenic (PMID: 16770791, 25007885). This variant is not present in population databases (gnomAD no frequency). Disruption of this splice site has been observed in individual(s) with Duchenne muscular dystrophy (PMID: 28859693). ClinVar contains an entry for this variant (Variation ID: 596803). Algorithms developed to predict the effect of sequence changes on RNA splicing suggest that this variant may disrupt the consensus splice site. For these reasons, this variant has been classified as Pathogenic.

Laboratory of Medical Genetics, National & Kapodistrian University of Athens
Classification: Likely pathogenic for Duchenne muscular dystrophy. Last evaluated: 2022-12-16. Review status: criteria provided, single submitter. Criteria: ACMG Guidelines, 2015. Collection method: clinical testing. Allele origin: germline. Affected: yes.
Comment: PVS1, PM2

Eurofins Ntd Llc (ga)
Classification: Pathogenic. Last evaluated: 2018-04-27. Review status: criteria provided, single submitter. Criteria: EGL ClinVar v180209 classification definitions. Collection method: clinical testing. Allele origin: germline. Observed: 1 variant allele, 1 hemizygote.

Literature cited by the submitters: PubMed 16199547 (cited by Labcorp Genetics (formerly Invitae), Labcorp); PubMed 16770791 (cited by Labcorp Genetics (formerly Invitae), Labcorp); PubMed 25007885 (cited by Labcorp Genetics (formerly Invitae), Labcorp); PubMed 28859693 (cited by Labcorp Genetics (formerly Invitae), Labcorp).